The following is an entry in ClinVar:

NM_000059.4(BRCA2):c.2024C>G (p.Thr675Arg)

Gene: BRCA2 (BRCA2 DNA repair associated; plus strand). Cytogenetic location: 13q13.1.
Variant type: single nucleotide variant.
Coding change: c.2024C>G on transcript NM_000059.4 (MANE Select); coding-DNA position 2024, C replaced by G.
Protein change: p.Thr675Arg; replaces threonine 675 with arginine.
Molecular consequence: missense variant.
Genome position (GRCh38, 1-based): chr13:32,336,379, C>G. VCF-style: chr13-32336379-C-G. GRCh37 (hg19) VCF-style: chr13-32910516-C-G.
Other names: short protein forms T675R.
Identifiers: ClinVar variation 51236 (VCV000051236.25), dbSNP rs80358484, ClinGen allele CA014128.

ClinVar aggregate classification (germline): Conflicting classifications of pathogenicity. Review status: criteria provided, conflicting classifications (1 of 4 stars). 8 submissions from 8 submitters: Uncertain significance (4); Likely benign (2). 2 of the submissions do not count toward it. Last evaluated 2025-04-11.

Conditions:
Hereditary breast ovarian cancer syndrome. Also called: Hereditary breast and ovarian cancer syndrome; Hereditary breast and ovarian cancer; Hereditary breast and ovarian cancer syndrome (HBOC); Breast and ovarian cancer; Hereditary breast and/or ovarian cancer syndrome; BRCA1- and BRCA2-Associated Hereditary Breast and Ovarian Cancer. Identifiers: Orphanet 145, MedGen C0677776, MeSH D061325, MONDO:0003582. Disease mechanism: loss of function.
Hereditary cancer-predisposing syndrome. Also called: Neoplastic Syndromes, Hereditary; Tumor predisposition; Hereditary Cancer Syndrome; Hereditary neoplastic syndrome. Identifiers: Orphanet 140162, MedGen C0027672, MeSH D009386, MONDO:0015356.
Breast-ovarian cancer, familial, susceptibility to, 2 (BROVCA2). Also called: BRCA2 Hereditary Breast and Ovarian Cancer. Identifiers: Orphanet 145, MedGen C2675520, MONDO:0012933, OMIM 612555. Disease mechanism: loss of function.
Familial cancer of breast. Also called: BREAST CANCER, FAMILIAL; Hereditary breast cancer; hereditary breast carcinoma. Identifiers: Orphanet 227535, MedGen C0346153, MONDO:0016419, OMIM 114480. Disease mechanism: loss of function.

gnomAD v4.1: 1 of 1,610,940 alleles (0.000062%); highest among the groups gnomAD compares: Non-Finnish European, 0.000085%; no homozygotes.

Submissions (8):

Labcorp Genetics (formerly Invitae), Labcorp
Classification: Uncertain significance for Hereditary breast ovarian cancer syndrome. Last evaluated: 2025-04-11. Review status: criteria provided, single submitter. Criteria: Invitae Variant Classification Sherloc (09022015). Collection method: clinical testing. Allele origin: germline.
Comment: This sequence change replaces threonine, which is neutral and polar, with arginine, which is basic and polar, at codon 675 of the BRCA2 protein (p.Thr675Arg). This variant is not present in population databases (gnomAD no frequency). This variant has not been reported in the literature in individuals affected with BRCA2-related conditions. ClinVar contains an entry for this variant (Variation ID: 51236). Invitae Evidence Modeling of protein sequence and biophysical properties (such as structural, functional, and spatial information, amino acid conservation, physicochemical variation, residue mobility, and thermodynamic stability) indicates that this missense variant is not expected to disrupt BRCA2 protein function with a negative predictive value of 95%. In summary, the available evidence is currently insufficient to determine the role of this variant in disease. Therefore, it has been classified as a Variant of Uncertain Significance.

GeneDx
Classification: Uncertain significance. Last evaluated: 2024-02-13. Review status: criteria provided, single submitter. Criteria: GeneDx Variant Classification Process June 2021. Collection method: clinical testing. Allele origin: germline. Affected: yes.
Comment: Not observed at significant frequency in large population cohorts (gnomAD); In silico analysis supports that this missense variant does not alter protein structure/function; Has not been previously published as pathogenic or benign to our knowledge; Also known as 2252C>G; This variant is associated with the following publications: (PMID: 23704879, 31131967, 29884841, 32377563)

MGZ Medical Genetics Center
Classification: Likely benign for Familial cancer of breast. Last evaluated: 2024-02-09. Review status: criteria provided, single submitter. Criteria: CSpec BRCA1/2ACMG Rules Specifications V1.1.0. Collection method: clinical testing. Allele origin: germline. Affected: yes.
Comment: ACMG codes applied following ENIGMA VCEP rules: BP1_STR, PM2_SUP

Ambry Genetics
Classification: Uncertain significance for Hereditary cancer-predisposing syndrome. Last evaluated: 2024-02-05. Review status: criteria provided, single submitter. Criteria: Ambry Variant Classification Scheme 2023. Collection method: clinical testing. Allele origin: germline.
Comment: The p.T675R variant (also known as c.2024C>G), located in coding exon 10 of the BRCA2 gene, results from a C to G substitution at nucleotide position 2024. The threonine at codon 675 is replaced by arginine, an amino acid with similar properties. This amino acid position is poorly conserved in available vertebrate species. In addition, this alteration is predicted to be tolerated by in silico analysis. Since supporting evidence is limited at this time, the clinical significance of this alteration remains unclear.

Color Diagnostics, LLC DBA Color Health
Classification: Uncertain significance for Hereditary cancer-predisposing syndrome. Last evaluated: 2023-04-19. Review status: criteria provided, single submitter. Criteria: ACMG Guidelines, 2015. Collection method: clinical testing. Allele origin: germline.
Comment: This missense variant replaces threonine with arginine at codon 675 of the BRCA2 protein. Computational prediction suggests that this variant may not impact protein structure and function (internally defined REVEL score threshold <= 0.5, PMID: 27666373). To our knowledge, functional studies have not been reported for this variant. This variant has been reported in a multifactorial analysis with co-occurrence and family history likelihood ratios for pathogenicity of 1.0498 and 0.7027 respectively (PMID: 31131967). This variant has not been identified in the general population by the Genome Aggregation Database (gnomAD). The available evidence is insufficient to determine the role of this variant in disease conclusively. Therefore, this variant is classified as a Variant of Uncertain Significance.

University of Washington Department of Laboratory Medicine, University of Washington
Classification: Likely benign for Hereditary cancer-predisposing syndrome. Last evaluated: 2023-03-23. Review status: criteria provided, single submitter. Criteria: Dines et al. (Genet Med. 2020). Collection method: curation. Allele origin: germline.
Comment: Missense variant in a coldspot region where missense variants are very unlikely to be pathogenic (PMID:31911673).

BRCA2 exon 11 coldspot. Reclassification based on statistical prior probability.

Counsyl
Classification: Uncertain significance for Breast-ovarian cancer, familial, susceptibility to, 2. Last evaluated: 2017-06-02. Review status: no assertion criteria provided. Collection method: clinical testing. Allele origin: unknown. Not counted in ClinVar's aggregate classification.

Breast Cancer Information Core (BIC) (BRCA2)
Classification: Uncertain significance for Breast-ovarian cancer, familial 2. Review status: no assertion criteria provided. Collection method: clinical testing. Allele origin: germline. Affected: yes. Observed: 1 variant allele. Not counted in ClinVar's aggregate classification.

Literature cited by the submitters: PubMed 31131967 (cited by Color Diagnostics, LLC DBA Color Health).